The following is an entry in ClinVar:

ClinVar aggregate classification (germline): Likely benign (0 of 4 stars; one submission).

Conditions:
PKD1-related disorder. Also called: PKD1-related condition.

Allele frequency attached by ClinVar (database versions not stated): TOPMed below 0.00001.
gnomAD v4.1: 3 of 1,605,142 alleles (0.00019%); highest among the groups gnomAD compares: South Asian, 0.0011%; no homozygotes.

Submission:

PreventionGenetics, part of Exact Sciences
Classification: Likely benign for PKD1-related condition. Last evaluated: 2021-02-03. Review status: no assertion criteria provided. Collection method: clinical testing. Allele origin: germline.
Comment: This variant is classified as likely benign based on ACMG/AMP sequence variant interpretation guidelines (Richards et al. 2015 PMID: 25741868, with internal and published modifications).

NM_001009944.3(PKD1):c.12003+7G>A

Gene: PKD1 (polycystin 1, transient receptor potential channel interacting; minus strand). Cytogenetic location: 16p13.3.
Variant type: single nucleotide variant.
Coding change: c.12003+7G>A on transcript NM_001009944.3 (MANE Select); 7 bases into the intron after coding-DNA position 12003, G replaced by A.
Molecular consequence: intron variant.
Genome position (GRCh38, 1-based): chr16:2,090,877, C>T on the plus strand (G>A on the coding strand, the complement: PKD1 is on the minus strand). VCF-style: chr16-2090877-C-T. GRCh37 (hg19) VCF-style: chr16-2140878-C-T.
Other names: c.12000+7G>A (NM_000296.4).
Identifiers: ClinVar variation 3030333 (VCV003030333.2), dbSNP rs1318886496, ClinGen allele CA620705191.